The following is an entry in ClinVar:

ClinVar aggregate classification (germline): Likely benign (1 of 4 stars; one submission).

Allele frequency attached by ClinVar (database versions not stated): gnomAD exomes below 0.00001; TOPMed below 0.00001; ExAC 0.00001; gnomAD 0.00001.
gnomAD v4.1: 7 of 1,613,972 alleles (0.00043%); highest among the groups gnomAD compares: Non-Finnish European, 0.00059%; no homozygotes.

Submission:

CeGaT Center for Human Genetics Tuebingen
Classification: Likely benign. Last evaluated: 2022-11-01. Review status: criteria provided, single submitter. Criteria: CeGaT Center For Human Genetics Tuebingen Variant Classification Criteria Version 2. Collection method: clinical testing. Allele origin: germline. Affected: yes. Observed: 1 variant allele.
Comment: PDZD2: BP4, BP7

NM_178140.4(PDZD2):c.3426A>G (p.Thr1142=)

Gene: PDZD2 (PDZ domain containing 2; plus strand). Cytogenetic location: 5p13.3.
Variant type: single nucleotide variant.
Coding change: c.3426A>G on transcript NM_178140.4 (MANE Select); coding-DNA position 3426, A replaced by G.
Protein change: p.Thr1142=; no amino-acid change (threonine 1142 retained).
Molecular consequence: synonymous variant.
Genome position (GRCh38, 1-based): chr5:32,074,532, A>G. VCF-style: chr5-32074532-A-G. GRCh37 (hg19) VCF-style: chr5-32074638-A-G.
Identifiers: ClinVar variation 2655379 (VCV002655379.24), dbSNP rs756545266, ClinGen allele CA3219464.